The following is an entry in ClinVar:

ClinVar aggregate classification (germline): Uncertain significance (1 of 4 stars; one submission).

gnomAD v4.1: 2 of 1,613,138 alleles (0.00012%); highest among the groups gnomAD compares: Admixed American, 0.0033%; no homozygotes.

Submission:

Labcorp Genetics (formerly Invitae), Labcorp
Classification: Uncertain significance. Last evaluated: 2025-11-25. Review status: criteria provided, single submitter. Criteria: Invitae Variant Classification Sherloc (09022015). Collection method: clinical testing. Allele origin: germline.
Comment: This sequence change replaces leucine, which is neutral and non-polar, with phenylalanine, which is neutral and non-polar, at codon 707 of the TCIRG1 protein (p.Leu707Phe). This variant is present in population databases (rs756005324, gnomAD 0.003%). This variant has not been reported in the literature in individuals affected with TCIRG1-related conditions. ClinVar contains an entry for this variant (Variation ID: 3711905). An algorithm developed to predict the effect of missense changes on protein structure and function outputs the following: PolyPhen-2: "Benign". The phenylalanine amino acid residue is found in multiple mammalian species, which suggests that this missense change does not adversely affect protein function. In summary, the available evidence is currently insufficient to determine the role of this variant in disease. Therefore, it has been classified as a Variant of Uncertain Significance.

NM_006019.4(TCIRG1):c.2119C>T (p.Leu707Phe)

Gene: TCIRG1 (T cell immune regulator 1, ATPase H+ transporting V0 subunit a3; plus strand). Cytogenetic location: 11q13.2.
Variant type: single nucleotide variant.
Coding change: c.2119C>T on transcript NM_006019.4 (MANE Select); coding-DNA position 2119, C replaced by T.
Protein change: p.Leu707Phe; replaces leucine 707 with phenylalanine.
Molecular consequence: missense variant.
Genome position (GRCh38, 1-based): chr11:68,050,137, C>T. VCF-style: chr11-68050137-C-T. GRCh37 (hg19) VCF-style: chr11-67817604-C-T.
Other names: c.1225C>T, p.Leu409Phe (NM_001351059.2); c.1471C>T, p.Leu491Phe (NM_006053.4); short protein forms L707F, L491F, L409F.
Identifiers: ClinVar variation 3711905 (VCV003711905.2).
Genomic context (GRCh38, chr11:68,050,137, plus strand): 5'-TGCCTTCCTGGGGGTGGGACGGCTGAGGCCCTGCCGGCCCTCACTGCACCCGCCCCGCAG[C>T]TCGTCCCCTCCGAGGTGCTCATGCACCAGGCCATCCACACCATCGAGTTCTGCCTGGGCT-3'
Protein context (NP_006010.2, residues 697-717): GGLDDEEEAE[Leu707Phe]VPSEVLMHQA